The following is an entry in ClinVar:

ClinVar aggregate classification (germline): Uncertain significance. Review status: criteria provided, multiple submitters, no conflicts (2 of 4 stars). 2 submissions from 2 submitters: Uncertain significance (2). Last evaluated 2022-08-22.

Conditions:
Spinocerebellar ataxia type 25. Identifiers: Orphanet 101111, MedGen C1837518, MONDO:0012103, OMIM 608703.
Combined oxidative phosphorylation defect type 13. Also called: Combined oxidative phosphorylation deficiency 13. Identifiers: Orphanet 319514, MedGen C4706283, MONDO:0013977, OMIM 614932.
Autosomal recessive nonsyndromic hearing loss 70. Also called: Deafness, autosomal recessive 70. Identifiers: Orphanet 90636, MedGen C1824925, MONDO:0013978, OMIM 614934.

Allele frequency attached by ClinVar (database versions not stated): gnomAD 0.00001; TOPMed 0.00001; gnomAD exomes 0.00001.
gnomAD v4.1: 10 of 1,614,070 alleles (0.00062%); highest among the groups gnomAD compares: Non-Finnish European, 0.00085%; no homozygotes.

Submissions (2):

Labcorp Genetics (formerly Invitae), Labcorp
Classification: Uncertain significance. Last evaluated: 2022-08-22. Review status: criteria provided, single submitter. Criteria: Invitae Variant Classification Sherloc (09022015). Collection method: clinical testing. Allele origin: germline.
Comment: This sequence change replaces histidine, which is basic and polar, with tyrosine, which is neutral and polar, at codon 658 of the PNPT1 protein (p.His658Tyr). This variant is present in population databases (no rsID available, gnomAD 0.002%). This variant has not been reported in the literature in individuals affected with PNPT1-related conditions. ClinVar contains an entry for this variant (Variation ID: 1370924). Advanced modeling of protein sequence and biophysical properties (such as structural, functional, and spatial information, amino acid conservation, physicochemical variation, residue mobility, and thermodynamic stability) performed at Invitae indicates that this missense variant is not expected to disrupt PNPT1 protein function. In summary, the available evidence is currently insufficient to determine the role of this variant in disease. Therefore, it has been classified as a Variant of Uncertain Significance.

Department of Pathology and Laboratory Medicine, Sinai Health System
Classification: Uncertain significance for Spinocerebellar ataxia type 25; Combined oxidative phosphorylation defect type 13; Autosomal recessive nonsyndromic hearing loss 70. Last evaluated: 2022-03-02. Review status: criteria provided, single submitter. Criteria: ACMG Guidelines, 2015. Collection method: research. Allele origin: germline.

NM_033109.5(PNPT1):c.1972C>T (p.His658Tyr)

Gene: PNPT1 (polyribonucleotide nucleotidyltransferase 1; minus strand). Cytogenetic location: 2p16.1.
Variant type: single nucleotide variant.
Coding change: c.1972C>T on transcript NM_033109.5 (MANE Select); coding-DNA position 1972, C replaced by T.
Protein change: p.His658Tyr; replaces histidine 658 with tyrosine.
Molecular consequence: missense variant.
Genome position (GRCh38, 1-based): chr2:55,643,360, G>A on the plus strand (C>T on the coding strand, the complement: PNPT1 is on the minus strand). VCF-style: chr2-55643360-G-A. GRCh37 (hg19) VCF-style: chr2-55870495-G-A.
Other names: short protein forms H658Y.
Identifiers: ClinVar variation 1370924 (VCV001370924.4), dbSNP rs1168592877, ClinGen allele CA346923957.